The following is an entry in ClinVar:

ClinVar aggregate classification (germline): Uncertain significance (1 of 4 stars; one submission).

Conditions:
Familial acute necrotizing encephalopathy (IIAE3). Also called: ENCEPHALOPATHY, ACUTE, INFECTION-INDUCED, SUSCEPTIBILITY TO, 3; Susceptibility to Acute Necrotizing Encephalopathy 1. Identifiers: Orphanet 88619, MedGen C2675556, MONDO:0011953, OMIM 608033.

Allele frequency attached by ClinVar (database versions not stated): gnomAD exomes below 0.00001.
gnomAD v4.1: 1 of 1,609,122 alleles (0.000062%); highest among the groups gnomAD compares: Non-Finnish European, 0.000085%; no homozygotes.

Submission:

Labcorp Genetics (formerly Invitae), Labcorp
Classification: Uncertain significance for Familial acute necrotizing encephalopathy. Last evaluated: 2023-07-03. Review status: criteria provided, single submitter. Criteria: Invitae Variant Classification Sherloc (09022015). Collection method: clinical testing. Allele origin: germline.
Comment: This variant has not been reported in the literature in individuals affected with RANBP2-related conditions. This sequence change replaces asparagine, which is neutral and polar, with serine, which is neutral and polar, at codon 590 of the RANBP2 protein (p.Asn590Ser). This variant is not present in population databases (gnomAD no frequency). An algorithm developed to predict the effect of missense changes on protein structure and function (PolyPhen-2) suggests that this variant is likely to be tolerated. In summary, the available evidence is currently insufficient to determine the role of this variant in disease. Therefore, it has been classified as a Variant of Uncertain Significance.

NM_006267.5(RANBP2):c.1769A>G (p.Asn590Ser)

Gene: RANBP2 (RAN binding protein 2; plus strand). Cytogenetic location: 2q13.
Variant type: single nucleotide variant.
Coding change: c.1769A>G on transcript NM_006267.5 (MANE Select); coding-DNA position 1769, A replaced by G.
Protein change: p.Asn590Ser; replaces asparagine 590 with serine.
Molecular consequence: missense variant.
Genome position (GRCh38, 1-based): chr2:108,753,011, A>G. VCF-style: chr2-108753011-A-G. GRCh37 (hg19) VCF-style: chr2-109369467-A-G.
Other names: c.1769A>G, p.Asn590Ser (NM_001415871.1, NM_001415873.1); c.1766A>G, p.Asn589Ser (NM_001415872.1); short protein forms N590S, N589S.
Identifiers: ClinVar variation 2954650 (VCV002954650.3), dbSNP rs1676025870, ClinGen allele CA348051212.